The following is an entry in ClinVar:

NM_001165963.4(SCN1A):c.3641T>C (p.Ile1214Thr)

Genes: SCN1A (sodium voltage-gated channel alpha subunit 1; minus strand), LOC102724058 (uncharacterized LOC102724058; plus strand). Cytogenetic location: 2q24.3.
Variant type: single nucleotide variant.
Coding change: c.3641T>C on transcript NM_001165963.4 (MANE Select); coding-DNA position 3641, T replaced by C.
Protein change: p.Ile1214Thr; replaces isoleucine 1214 with threonine.
Molecular consequence: missense variant. On other transcripts: non-coding transcript variant (1).
Genome position (GRCh38, 1-based): chr2:166,013,808, A>G on the plus strand (T>C on the coding strand, the complement: SCN1A is on the minus strand). VCF-style: chr2-166013808-A-G. GRCh37 (hg19) VCF-style: chr2-166870318-A-G.
Other names: c.3557T>C, p.Ile1186Thr (NM_001165964.3, NM_001353957.2, NM_001353958.2); c.3641T>C, p.Ile1214Thr (NM_001202435.3, NM_001353948.2); c.3608T>C, p.Ile1203Thr (NM_001353949.2, NM_001353950.2, NM_001353951.2 and 2 more transcripts); c.3605T>C, p.Ile1202Thr (NM_001353954.2, NM_001353955.2); c.3554T>C, p.Ile1185Thr (NM_001353960.2); c.1199T>C, p.Ile400Thr (NM_001353961.2); c.3641T>C (NM_001165963.1); short protein forms I1185T, I1202T, I1203T, I1214T, I1186T, I400T.
Identifiers: ClinVar variation 871605 (VCV000871605.47), dbSNP rs1692873873, ClinGen allele CA349056050.

ClinVar aggregate classification (germline): Conflicting classifications of pathogenicity. Review status: criteria provided, conflicting classifications (1 of 4 stars). 4 submissions from 4 submitters: Likely pathogenic (1); Uncertain significance (2). 1 of the submissions does not count toward it. Last evaluated 2025-03-20.

Conditions:
Early-infantile DEE. Also called: Ohtahara syndrome; Early infantile epileptic encephalopathy with suppression bursts; Early infantile epileptic encephalopathy. Identifiers: Orphanet 1934, MedGen C0393706, MONDO:0800491.
Seizure. Also called: Seizures. Identifiers: MedGen C0036572, HP:0001250.

Submissions (4):

Labcorp Genetics (formerly Invitae), Labcorp
Classification: Likely pathogenic for Early-infantile DEE. Last evaluated: 2025-03-20. Review status: criteria provided, single submitter. Criteria: Invitae Variant Classification Sherloc (09022015). Collection method: clinical testing. Allele origin: germline.
Comment: This sequence change replaces isoleucine, which is neutral and non-polar, with threonine, which is neutral and polar, at codon 1214 of the SCN1A protein (p.Ile1214Thr). This variant is not present in population databases (gnomAD no frequency). This variant has not been reported in the literature in individuals affected with SCN1A-related conditions. ClinVar contains an entry for this variant (Variation ID: 871605). Invitae Evidence Modeling of protein sequence and biophysical properties (such as structural, functional, and spatial information, amino acid conservation, physicochemical variation, residue mobility, and thermodynamic stability) indicates that this missense variant is expected to disrupt SCN1A protein function with a positive predictive value of 95%. This variant disrupts the p.Ile1214 amino acid residue in SCN1A. Other variant(s) that disrupt this residue have been determined to be pathogenic (PMID: 22848613, 31864146). This suggests that this residue is clinically significant, and that variants that disrupt this residue are likely to be disease-causing. In summary, the currently available evidence indicates that the variant is pathogenic, but additional data are needed to prove that conclusively. Therefore, this variant has been classified as Likely Pathogenic.

GeneDx
Classification: Uncertain significance. Last evaluated: 2025-03-14. Review status: criteria provided, single submitter. Criteria: GeneDx Variant Classification Process June 2021. Collection method: clinical testing. Allele origin: germline.
Comment: Not observed at significant frequency in large population cohorts (gnomAD); In silico analysis supports that this missense variant has a deleterious effect on protein structure/function; Has not been previously published as pathogenic or benign to our knowledge; This substitution is predicted to be in the cytoplasmic loop between the second and third homologous domains

CeGaT Center for Human Genetics Tuebingen
Classification: Uncertain significance. Last evaluated: 2023-09-01. Review status: criteria provided, single submitter. Criteria: CeGaT Center For Human Genetics Tuebingen Variant Classification Criteria Version 2. Collection method: clinical testing. Allele origin: germline. Affected: yes. Observed: 2 variant alleles.
Comment: SCN1A: PM2, PM5, PP3

Diagnostic Laboratory, Strasbourg University Hospital
Classification: Uncertain significance for Seizure. Review status: no assertion criteria provided. Collection method: clinical testing. Allele origin: maternal. Affected: yes. Observed: 1 heterozygote. Not counted in ClinVar's aggregate classification.

Literature cited by the submitters: PubMed 22848613 (cited by Labcorp Genetics (formerly Invitae), Labcorp); PubMed 31864146 (cited by Labcorp Genetics (formerly Invitae), Labcorp).